The following is an entry in ClinVar:

NM_207391.3(RGS9BP):c.691G>A (p.Val231Met)

Gene: RGS9BP (regulator of G protein signaling 9 binding protein; plus strand). Cytogenetic location: 19q13.11.
Variant type: single nucleotide variant.
Coding change: c.691G>A on transcript NM_207391.3 (MANE Select); coding-DNA position 691, G replaced by A.
Protein change: p.Val231Met; replaces valine 231 with methionine.
Molecular consequence: missense variant.
Genome position (GRCh38, 1-based): chr19:32,676,954, G>A. VCF-style: chr19-32676954-G-A. GRCh37 (hg19) VCF-style: chr19-33167860-G-A.
Other names: short protein forms V231M.
Identifiers: ClinVar variation 954747 (VCV000954747.9), dbSNP rs368807546, ClinGen allele CA9357583.

ClinVar aggregate classification (germline): Uncertain significance. Review status: criteria provided, multiple submitters, no conflicts (2 of 4 stars). 3 submissions from 3 submitters: Uncertain significance (3). Last evaluated 2025-12-15.

Allele frequency attached by ClinVar (database versions not stated): gnomAD exomes 0.00003 and 0.00004; ExAC 0.00006; gnomAD 0.00017 and 0.00020; TOPMed 0.00019; 1000 Genomes Project 0.00020; 1000 Genomes Project 30x 0.00031.
gnomAD v4.1: 71 of 1,603,326 alleles (0.0044%); highest among the groups gnomAD compares: African/African-American, 0.088%; no homozygotes.

Submissions (3):

Labcorp Genetics (formerly Invitae), Labcorp
Classification: Uncertain significance. Last evaluated: 2025-12-15. Review status: criteria provided, single submitter. Criteria: Invitae Variant Classification Sherloc (09022015). Collection method: clinical testing. Allele origin: germline.
Comment: This sequence change replaces valine, which is neutral and non-polar, with methionine, which is neutral and non-polar, at codon 231 of the RGS9BP protein (p.Val231Met). This variant is present in population databases (rs368807546, gnomAD 0.07%). This variant has not been reported in the literature in individuals affected with RGS9BP-related conditions. ClinVar contains an entry for this variant (Variation ID: 954747). An algorithm developed to predict the effect of missense changes on protein structure and function (PolyPhen-2) suggests that this variant is likely to be tolerated. In summary, the available evidence is currently insufficient to determine the role of this variant in disease. Therefore, it has been classified as a Variant of Uncertain Significance.

Ambry Genetics
Classification: Uncertain significance. Last evaluated: 2023-10-05. Review status: criteria provided, single submitter. Criteria: Ambry Variant Classification Scheme 2023. Collection method: clinical testing. Allele origin: germline.

Blueprint Genetics
Classification: Uncertain significance. Last evaluated: 2022-04-21. Review status: criteria provided, single submitter. Criteria: ACMG Guidelines, 2015. Collection method: clinical testing. Allele origin: germline.